The following is an entry in ClinVar:

NM_002693.3(POLG):c.1434-17G>A

Gene: POLG (DNA polymerase gamma, catalytic subunit; minus strand). Cytogenetic location: 15q26.1.
Variant type: single nucleotide variant.
Coding change: c.1434-17G>A on transcript NM_002693.3 (MANE Select); 17 bases into the intron before coding-DNA position 1434, G replaced by A.
Molecular consequence: intron variant.
Genome position (GRCh38, 1-based): chr15:89,327,080, C>T on the plus strand (G>A on the coding strand, the complement: POLG is on the minus strand). VCF-style: chr15-89327080-C-T. GRCh37 (hg19) VCF-style: chr15-89870311-C-T.
Other names: c.1434-17G>A (NM_001126131.2).
Identifiers: ClinVar variation 508496 (VCV000508496.6), dbSNP rs373716128, ClinGen allele CA7724833.

ClinVar aggregate classification (germline): Likely benign. Review status: criteria provided, multiple submitters, no conflicts (2 of 4 stars). 2 submissions from 2 submitters: Likely benign (2). Last evaluated 2025-01-06.

Conditions:
Progressive sclerosing poliodystrophy (MTDPS4A). Also called: Alpers-Huttenlocher Syndrome (AHS); ALPERS PROGRESSIVE INFANTILE POLIODYSTROPHY; Mitochondrial DNA Depletion Syndrome 4A; Mitochondrial DNA depletion syndrome 4A (Alpers type); NEURONAL DEGENERATION OF CHILDHOOD WITH LIVER DISEASE, PROGRESSIVE; Alpers Syndrome. Identifiers: Orphanet 726, MedGen C0205710, MONDO:0008758, OMIM 203700.

Allele frequency attached by ClinVar (database versions not stated): gnomAD exomes below 0.00001 and 0.00001; ExAC 0.00001; gnomAD 0.00002 and 0.00003; TOPMed 0.00002; ESP Exome Variant Server 0.00008.
gnomAD v4.1: 5 of 1,614,100 alleles (0.00031%); highest among the groups gnomAD compares: African/African-American, 0.0053%; no homozygotes.

Submissions (2):

Labcorp Genetics (formerly Invitae), Labcorp
Classification: Likely benign for Progressive sclerosing poliodystrophy. Last evaluated: 2025-01-06. Review status: criteria provided, single submitter. Criteria: Invitae Variant Classification Sherloc (09022015). Collection method: clinical testing. Allele origin: germline.

GeneDx
Classification: Likely benign. Last evaluated: 2017-04-03. Review status: criteria provided, single submitter. Criteria: GeneDx Variant Classification (06012015). Collection method: clinical testing. Allele origin: germline. Affected: yes.
Comment: This variant is considered likely benign or benign based on one or more of the following criteria: it is a conservative change, it occurs at a poorly conserved position in the protein, it is predicted to be benign by multiple in silico algorithms, and/or has population frequency not consistent with disease.